The following is an entry in ClinVar:

NM_004544.4(NDUFA10):c.86A>G (p.His29Arg)

Gene: NDUFA10 (NADH:ubiquinone oxidoreductase subunit A10; minus strand). Cytogenetic location: 2q37.3.
Variant type: single nucleotide variant.
Coding change: c.86A>G on transcript NM_004544.4 (MANE Select); coding-DNA position 86, A replaced by G.
Protein change: p.His29Arg; replaces histidine 29 with arginine.
Molecular consequence: missense variant. On other transcripts: non-coding transcript variant (3).
Genome position (GRCh38, 1-based): chr2:240,022,330, T>C on the plus strand (A>G on the coding strand, the complement: NDUFA10 is on the minus strand). VCF-style: chr2-240022330-T-C. GRCh37 (hg19) VCF-style: chr2-240961747-T-C.
Other names: c.86A>G, p.His29Arg (NM_001322019.2, NM_001322020.2); short protein forms H29R.
Identifiers: ClinVar variation 1402798 (VCV001402798.10), dbSNP rs199561593, ClinGen allele CA2201150.

ClinVar aggregate classification (germline): Uncertain significance. Review status: criteria provided, multiple submitters, no conflicts (2 of 4 stars). 2 submissions from 2 submitters: Uncertain significance (2). Last evaluated 2023-12-11.

Allele frequency attached by ClinVar (database versions not stated): ExAC 0.00002; gnomAD exomes 0.00002 and 0.00006; gnomAD 0.00004; TOPMed 0.00004.
gnomAD v4.1: 90 of 1,614,024 alleles (0.0056%); highest among the groups gnomAD compares: Non-Finnish European, 0.0074%; no homozygotes.

Submissions (2):

Blueprint Genetics
Classification: Uncertain significance. Last evaluated: 2023-12-11. Review status: criteria provided, single submitter. Criteria: ACMG Guidelines, 2015. Collection method: clinical testing. Allele origin: germline.

Labcorp Genetics (formerly Invitae), Labcorp
Classification: Uncertain significance. Last evaluated: 2023-12-07. Review status: criteria provided, single submitter. Criteria: Invitae Variant Classification Sherloc (09022015). Collection method: clinical testing. Allele origin: germline.
Comment: This sequence change replaces histidine, which is basic and polar, with arginine, which is basic and polar, at codon 29 of the NDUFA10 protein (p.His29Arg). This variant is present in population databases (rs199561593, gnomAD 0.004%). This variant has not been reported in the literature in individuals affected with NDUFA10-related conditions. ClinVar contains an entry for this variant (Variation ID: 1402798). Advanced modeling of protein sequence and biophysical properties (such as structural, functional, and spatial information, amino acid conservation, physicochemical variation, residue mobility, and thermodynamic stability) performed at Invitae indicates that this missense variant is expected to disrupt NDUFA10 protein function with a positive predictive value of 80%. In summary, the available evidence is currently insufficient to determine the role of this variant in disease. Therefore, it has been classified as a Variant of Uncertain Significance.